The following is an entry in ClinVar:

ClinVar aggregate classification (germline): Uncertain significance (1 of 4 stars; one submission).

Conditions:
3-methylglutaconic aciduria, type VIIB (MGCA7B). Also called: CLPB Deficiency; 3-methylglutaconic aciduria with cataracts, neurologic involvement and neutropenia; 3-methylglutaconic aciduria, type VII, with cataracts, neurologic involvement and neutropenia. Identifiers: Orphanet 445038, MedGen C5676893, MONDO:0014561, OMIM 616271.

Submission:

Labcorp Genetics (formerly Invitae), Labcorp
Classification: Uncertain significance for 3-methylglutaconic aciduria, type VIIB. Last evaluated: 2025-03-12. Review status: criteria provided, single submitter. Criteria: Invitae Variant Classification Sherloc (09022015). Collection method: clinical testing. Allele origin: germline.
Comment: This sequence change replaces asparagine, which is neutral and polar, with aspartic acid, which is acidic and polar, at codon 596 of the CLPB protein (p.Asn596Asp). This variant is not present in population databases (gnomAD no frequency). This variant has not been reported in the literature in individuals affected with CLPB-related conditions. An algorithm developed to predict the effect of missense changes on protein structure and function outputs the following: PolyPhen-2: "Benign". The aspartic acid amino acid residue is found in multiple mammalian species, which suggests that this missense change does not adversely affect protein function. In summary, the available evidence is currently insufficient to determine the role of this variant in disease. Therefore, it has been classified as a Variant of Uncertain Significance.

NM_001258392.3(CLPB):c.1696A>G (p.Asn566Asp)

Gene: CLPB (ClpB family mitochondrial disaggregase; minus strand). Cytogenetic location: 11q13.4.
Variant type: single nucleotide variant.
Coding change: c.1696A>G on transcript NM_001258392.3 (MANE Select); coding-DNA position 1696, A replaced by G.
Protein change: p.Asn566Asp; replaces asparagine 566 with aspartic acid.
Molecular consequence: missense variant.
Genome position (GRCh38, 1-based): chr11:72,294,111, T>C on the plus strand (A>G on the coding strand, the complement: CLPB is on the minus strand). VCF-style: chr11-72294111-T-C. GRCh37 (hg19) VCF-style: chr11-72005155-T-C.
Other names: c.1609A>G, p.Asn537Asp (NM_001258393.3); c.1651A>G, p.Asn551Asp (NM_001258394.3); c.1786A>G, p.Asn596Asp (NM_030813.6); short protein forms N537D, N596D, N551D, N566D.
Identifiers: ClinVar variation 4762516 (VCV004762516.1).